The following is an entry in ClinVar:

ClinVar aggregate classification (germline): Uncertain significance (1 of 4 stars; one submission).

Conditions:
Long QT syndrome (LQTS). Identifiers: MedGen C0023976, MeSH D008133, MONDO:0002442. Disease mechanism: loss of function. Inheritance: Various modes of inheritance.

gnomAD v4.1: 1 of 1,596,654 alleles (0.000063%); highest among the groups gnomAD compares: Non-Finnish European, 0.000085%; no homozygotes.

Submission:

Labcorp Genetics (formerly Invitae), Labcorp
Classification: Uncertain significance for Long QT syndrome. Last evaluated: 2026-01-11. Review status: criteria provided, single submitter. Criteria: Invitae Variant Classification Sherloc (09022015). Collection method: clinical testing. Allele origin: germline.
Comment: This sequence change replaces asparagine, which is neutral and polar, with histidine, which is basic and polar, at codon 12 of the KCNH2 protein (p.Asn12His). This variant is not present in population databases (gnomAD no frequency). This variant has not been reported in the literature in individuals affected with KCNH2-related conditions. ClinVar contains an entry for this variant (Variation ID: 1393237). An algorithm developed to predict the effect of missense changes on protein structure and function (PolyPhen-2) suggests that this variant is likely to be tolerated. In summary, the available evidence is currently insufficient to determine the role of this variant in disease. Therefore, it has been classified as a Variant of Uncertain Significance.

NM_000238.4(KCNH2):c.34A>C (p.Asn12His)

Gene: KCNH2 (potassium voltage-gated channel subfamily H member 2; minus strand). Cytogenetic location: 7q36.1.
Variant type: single nucleotide variant.
Coding change: c.34A>C on transcript NM_000238.4 (MANE Select); coding-DNA position 34, A replaced by C.
Protein change: p.Asn12His; replaces asparagine 12 with histidine.
Molecular consequence: missense variant.
Genome position (GRCh38, 1-based): chr7:150,977,880, T>G on the plus strand (A>C on the coding strand, the complement: KCNH2 is on the minus strand). VCF-style: chr7-150977880-T-G. GRCh37 (hg19) VCF-style: chr7-150674968-T-G.
Other names: c.34A>C, p.Asn12His (NM_172056.3); short protein forms N12H.
Identifiers: ClinVar variation 1393237 (VCV001393237.9), dbSNP rs1412463792, ClinGen allele CA369866728.
Genomic context (GRCh38, chr7:150,977,880, plus strand): 5'-GCCCCCTCCCCCACTCACTCTGGCCCTCAAACTTGCGGATGATGGTGTCCAGGAAGGTGT[T>G]CTGCGGCGCGACGTGGCCCCTCCGCACCGGCATCCTGAGCCCATGGGCGGGCCGGGCGGG-3'
Protein context (NP_000229.1, residues 2-22): PVRRGHVAPQ[Asn12His]TFLDTIIRKF